The following is an entry in ClinVar:

ClinVar aggregate classification (germline): Uncertain significance (1 of 4 stars; one submission).

gnomAD v4.1: 18 of 1,507,666 alleles (0.0012%); highest among the groups gnomAD compares: Non-Finnish European, 0.0015%; no homozygotes.

Submission:

Ambry Genetics
Classification: Uncertain significance. Last evaluated: 2025-04-15. Review status: criteria provided, single submitter. Criteria: Ambry Variant Classification Scheme 2023. Collection method: clinical testing. Allele origin: germline.
Comment: The c.2198A>G (p.K733R) alteration is located in exon (coding exon ) of the SH3RF3 gene. This alteration results from a A to G substitution at nucleotide position 2198, causing the lysine (K) at amino acid position 733 to be replaced by an arginine (R). Based on insufficient or conflicting evidence, the clinical significance of this alteration remains unclear.

NM_001099289.3(SH3RF3):c.2198A>G (p.Lys733Arg)

Genes: RANBP2 (RAN binding protein 2; plus strand), SH3RF3 (SH3 domain containing ring finger 3; plus strand). Cytogenetic location: 2q13.
Variant type: single nucleotide variant.
Coding change: c.2198A>G on transcript NM_001099289.3 (MANE Select); coding-DNA position 2198, A replaced by G.
Protein change: p.Lys733Arg; replaces lysine 733 with arginine.
Molecular consequence: missense variant.
Genome position (GRCh38, 1-based): chr2:109,490,654, A>G. VCF-style: chr2-109490654-A-G. GRCh37 (hg19) VCF-style: chr2-110107110-A-G.
Other names: short protein forms K733R.
Identifiers: ClinVar variation 3953832 (VCV003953832.1).